The following is an entry in ClinVar:

ClinVar aggregate classification (germline): Pathogenic (1 of 4 stars; one submission).

Submission:

GeneDx
Classification: Pathogenic. Last evaluated: 2026-05-18. Review status: criteria provided, single submitter. Criteria: GeneDx Variant Classification Process June 2021. Collection method: clinical testing. Allele origin: germline.
Comment: Nonsense variant predicted to result in protein truncation or nonsense mediated decay in a gene for which loss of function is a known mechanism of disease; Not observed at significant frequency in large population cohorts (gnomAD); Has not been previously published as pathogenic or benign to our knowledge

NM_016648.4(LARP7):c.420G>A (p.Trp140Ter)

Genes: LARP7 (La ribonucleoprotein 7, transcriptional regulator; plus strand), MIR302CHG (miR-302/367 cluster host gene; minus strand). Cytogenetic location: 4q25.
Variant type: single nucleotide variant.
Coding change: c.420G>A on transcript NM_016648.4 (MANE Select); coding-DNA position 420, G replaced by A.
Protein change: p.Trp140Ter; replaces tryptophan 140 with a stop codon.
Molecular consequence: nonsense. On other transcripts: non-coding transcript variant (3).
Genome position (GRCh38, 1-based): chr4:112,646,823, G>A. VCF-style: chr4-112646823-G-A. GRCh37 (hg19) VCF-style: chr4-113567979-G-A.
Other names: c.420G>A, p.Trp140Ter (NM_001267039.4, NM_001370974.1, NM_001370975.1 and 6 more transcripts); c.183G>A, p.Trp61Ter (NM_001370981.1, NM_001370982.1); short protein forms W140*, W61*.
Identifiers: ClinVar variation 3340740 (VCV003340740.2).